The following is an entry in ClinVar:

NM_017617.5(NOTCH1):c.1440C>A (p.Pro480=)

Gene: NOTCH1 (notch receptor 1; minus strand). Cytogenetic location: 9q34.3.
Variant type: single nucleotide variant.
Coding change: c.1440C>A on transcript NM_017617.5 (MANE Select); coding-DNA position 1440, C replaced by A.
Protein change: p.Pro480=; no amino-acid change (proline 480 retained).
Molecular consequence: synonymous variant.
Genome position (GRCh38, 1-based): chr9:136,517,753, G>T on the plus strand (C>A on the coding strand, the complement: NOTCH1 is on the minus strand). VCF-style: chr9-136517753-G-T. GRCh37 (hg19) VCF-style: chr9-139412205-G-T.
Identifiers: ClinVar variation 948694 (VCV000948694.15), dbSNP rs61751555, ClinGen allele CA5341812.

ClinVar aggregate classification (germline): Conflicting classifications of pathogenicity. Review status: criteria provided, conflicting classifications (1 of 4 stars). 4 submissions from 4 submitters: Uncertain significance (2); Likely benign (2). Last evaluated 2026-06-03.

Conditions:
Adams-Oliver syndrome 5 (AOS5). Identifiers: Orphanet 974, MedGen C4014970, MONDO:0014459, OMIM 616028.
Familial thoracic aortic aneurysm and aortic dissection (TAAD). Also called: Thoracic aortic aneurysms and dissections. Identifiers: Orphanet 91387, MedGen C4707243, MONDO:0019625.

Allele frequency attached by ClinVar (database versions not stated): TOPMed 0.00002.

Submissions (4):

Ambry Genetics
Classification: Likely benign for Familial thoracic aortic aneurysm and aortic dissection. Last evaluated: 2026-06-03. Review status: criteria provided, single submitter. Criteria: Ambry Variant Classification Scheme 2023. Collection method: clinical testing. Allele origin: germline.

Labcorp Genetics (formerly Invitae), Labcorp
Classification: Uncertain significance for Adams-Oliver syndrome 5. Last evaluated: 2025-11-02. Review status: criteria provided, single submitter. Criteria: Invitae Variant Classification Sherloc (09022015). Collection method: clinical testing. Allele origin: germline.
Comment: This sequence change affects codon 480 of the NOTCH1 mRNA. It is a 'silent' change, meaning that it does not change the encoded amino acid sequence of the NOTCH1 protein. It affects a nucleotide within the consensus splice site. The frequency data for this variant in the population databases is considered unreliable, as metrics indicate poor data quality at this position in the gnomAD database. This variant has not been reported in the literature in individuals affected with NOTCH1-related conditions. ClinVar contains an entry for this variant (Variation ID: 948694). Algorithms developed to predict the effect of sequence changes on RNA splicing suggest that this variant is not likely to affect RNA splicing. In summary, the available evidence is currently insufficient to determine the role of this variant in disease. Therefore, it has been classified as a Variant of Uncertain Significance.

ARUP Laboratories, Molecular Genetics and Genomics, ARUP Laboratories
Classification: Uncertain significance. Last evaluated: 2025-04-16. Review status: criteria provided, single submitter. Criteria: ARUP Molecular Germline Variant Investigation Process 2024. Collection method: clinical testing. Allele origin: germline.
Comment: The NOTCH1 c.1440C>A; p.Pro480= variant (rs61751555, ClinVar Variation ID: 948694), to our knowledge, is not reported in the literature in individuals with NOTCH1-related disorders but is reported in individuals with lung cancer (Liao 2019). This variant is only observed on two alleles in the Genome Aggregation Database (v2.1.1), indicating it is not a common polymorphism. This is a synonymous variant and computational analyses (Alamut Visual Plus v.1.12) predict that this variant does not alter splicing. However, since there is a lack of functional data and this variant is located within the minimal splice region, the clinical significance of this variant is uncertain at this time. References: Liao Y et al. Targeted deep sequencing from multiple sources demonstrates increased NOTCH1 alterations in lung cancer patient plasma. Cancer Med. 2019 Sep;8(12):5673-5686. PMID: 31369215.

GeneDx
Classification: Likely benign. Last evaluated: 2020-08-12. Review status: criteria provided, single submitter. Criteria: GeneDx Variant Classification Process June 2021. Collection method: clinical testing. Allele origin: germline. Affected: yes.